The following is an entry in ClinVar:

ClinVar aggregate classification (germline): Uncertain significance (1 of 4 stars; one submission).

Allele frequency attached by ClinVar (database versions not stated): gnomAD exomes below 0.00001; TOPMed below 0.00001; gnomAD 0.00001.
gnomAD v4.1: 2 of 1,614,002 alleles (0.00012%); highest among the groups gnomAD compares: South Asian, 0.0011%; no homozygotes.

Submission:

Women's Health and Genetics/Laboratory Corporation of America, LabCorp
Classification: Uncertain significance. Last evaluated: 2023-09-28. Review status: criteria provided, single submitter. Criteria: LabCorp Variant Classification Summary - May 2015. Collection method: clinical testing. Allele origin: germline.
Comment: Variant summary: CPT1C c.1544C>G (p.Ser515Cys) results in a non-conservative amino acid change located in the Choline/carnitine acyltransferase domain (IPR039551) of the encoded protein sequence. Three of five in-silico tools predict a benign effect of the variant on protein function. The variant was absent in 251442 control chromosomes. The available data on variant occurrences in the general population are insufficient to allow any conclusion about variant significance. To our knowledge, no occurrence of c.1544C>G in individuals affected with Hereditary Spastic Paraplegia 73 and no experimental evidence demonstrating its impact on protein function have been reported. No submitters have cited clinical-significance assessments for this variant to ClinVar after 2014. Based on the evidence outlined above, the variant was classified as uncertain significance.

NM_001199753.2(CPT1C):c.1577C>G (p.Ser526Cys)

Gene: CPT1C (carnitine palmitoyltransferase 1C; plus strand). Cytogenetic location: 19q13.33.
Variant type: single nucleotide variant.
Coding change: c.1577C>G on transcript NM_001199753.2 (MANE Select); coding-DNA position 1577, C replaced by G.
Protein change: p.Ser526Cys; replaces serine 526 with cysteine.
Molecular consequence: missense variant. On other transcripts: non-coding transcript variant (1).
Genome position (GRCh38, 1-based): chr19:49,710,330, C>G. VCF-style: chr19-49710330-C-G. GRCh37 (hg19) VCF-style: chr19-50213587-C-G.
Other names: c.1544C>G, p.Ser515Cys (NM_001136052.3, NM_001378485.1, NM_001378487.1); c.1577C>G, p.Ser526Cys (NM_001199752.3, NM_001378483.1, NM_001378484.1 and 3 more transcripts); c.1643C>G, p.Ser548Cys (NM_001378482.1); short protein forms S515C, S526C, S548C.
Identifiers: ClinVar variation 2627345 (VCV002627345.1), dbSNP rs1160780137, ClinGen allele CA406906745.